The following is an entry in ClinVar:

NM_017636.4(TRPM4):c.866A>G (p.Glu289Gly)

Gene: TRPM4 (transient receptor potential cation channel subfamily M member 4; plus strand). Cytogenetic location: 19q13.33.
Variant type: single nucleotide variant.
Coding change: c.866A>G on transcript NM_017636.4 (MANE Select); coding-DNA position 866, A replaced by G.
Protein change: p.Glu289Gly; replaces glutamic acid 289 with glycine.
Molecular consequence: missense variant. On other transcripts: 5 prime UTR variant (1).
Genome position (GRCh38, 1-based): chr19:49,171,585, A>G. VCF-style: chr19-49171585-A-G. GRCh37 (hg19) VCF-style: chr19-49674842-A-G.
Other names: c.866A>G, p.Glu289Gly (NM_001195227.2); c.521A>G, p.Glu174Gly (NM_001321281.2); c.-688A>G (NM_001321282.2); c.344A>G, p.Glu115Gly (NM_001321283.2); c.17A>G, p.Glu6Gly (NM_001321285.2); short protein forms E289G, E174G, E115G, E6G.
Identifiers: ClinVar variation 2799906 (VCV002799906.3), dbSNP rs773880484, ClinGen allele CA9569004.

ClinVar aggregate classification (germline): Uncertain significance (1 of 4 stars; one submission).

Conditions:
Progressive familial heart block type IB (PFHB1B). Identifiers: Orphanet 871, MedGen C1970298, MONDO:0011474, OMIM 604559.

Allele frequency attached by ClinVar (database versions not stated): TOPMed below 0.00001; gnomAD exomes 0.00001; ExAC 0.00002.
gnomAD v4.1: 4 of 1,614,054 alleles (0.00025%); highest among the groups gnomAD compares: Admixed American, 0.0067%; no homozygotes.

Submission:

Labcorp Genetics (formerly Invitae), Labcorp
Classification: Uncertain significance for Progressive familial heart block type IB. Last evaluated: 2024-05-07. Review status: criteria provided, single submitter. Criteria: Invitae Variant Classification Sherloc (09022015). Collection method: clinical testing. Allele origin: germline.
Comment: This sequence change replaces glutamic acid, which is acidic and polar, with glycine, which is neutral and non-polar, at codon 289 of the TRPM4 protein (p.Glu289Gly). This variant is present in population databases (rs773880484, gnomAD 0.01%). This variant has not been reported in the literature in individuals affected with TRPM4-related conditions. An algorithm developed to predict the effect of missense changes on protein structure and function (PolyPhen-2) suggests that this variant is likely to be tolerated. In summary, the available evidence is currently insufficient to determine the role of this variant in disease. Therefore, it has been classified as a Variant of Uncertain Significance.